The following is an entry in ClinVar:

NM_001001548.3(CD36):c.430-1G>C

Gene: CD36 (CD36 molecule (CD36 blood group); plus strand). Cytogenetic location: 7q21.11.
Variant type: single nucleotide variant.
Coding change: c.430-1G>C on transcript NM_001001548.3 (MANE Select); the canonical splice acceptor site of the intron before coding-DNA position 430, G replaced by C.
Molecular consequence: splice acceptor variant. On other transcripts: 5 prime UTR variant (1), intron variant (1).
Genome position (GRCh38, 1-based): chr7:80,662,989, G>C. VCF-style: chr7-80662989-G-C. GRCh37 (hg19) VCF-style: chr7-80292305-G-C.
Other names: c.-37G>C (NM_001371081.1); c.430-1G>C (NM_001371075.1, NM_001001547.3, NM_001371074.1 and 7 more transcripts); c.202-1G>C (NM_001289911.2); c.-36-1G>C (NM_001371080.1); c.328-1G>C (NM_001371079.1); c.430-1417G>C (NM_001289909.1).
Identifiers: ClinVar variation 3779488 (VCV003779488.3), dbSNP rs199530093.

ClinVar aggregate classification (germline): Pathogenic/Likely pathogenic. Review status: criteria provided, multiple submitters, no conflicts (2 of 4 stars). 2 submissions from 2 submitters: Pathogenic (1); Likely pathogenic (1). Last evaluated 2023-10-17.

Conditions:
Coronary heart disease, susceptibility to, 7. Identifiers: MedGen C1970441, MONDO:0012585, OMIM 610938.
Platelet-type bleeding disorder 10. Also called: CD36 DEFICIENCY. Identifiers: MedGen C1842090, MONDO:0012031, OMIM 608404.
Malaria, susceptibility to. Identifiers: Orphanet 673, MedGen C1970028, MONDO:0021024, OMIM 611162.

gnomAD v4.1: 45 of 1,609,548 alleles (0.0028%); highest among the groups gnomAD compares: East Asian, 0.098%; no homozygotes.

Submissions (2):

Department of Pathology and Laboratory Medicine, Sinai Health System
Classification: Pathogenic for Platelet-type bleeding disorder 10. Last evaluated: 2023-10-17. Review status: criteria provided, single submitter. Criteria: ACMG Guidelines, 2015. Collection method: research. Allele origin: germline.

Juno Genomics, Hangzhou Juno Genomics, Inc
Classification: Likely pathogenic for Coronary heart disease, susceptibility to, 7; Malaria, susceptibility to; Platelet-type bleeding disorder 10. Review status: criteria provided, single submitter. Criteria: ACMG Guidelines, 2015. Collection method: clinical testing. Allele origin: germline.
Comment: Null variant in a gene where loss of function (LOF) is a known mechanism of disease.;Absent from controls (or at extremely low frequency if recessive) in Genome Aggregation Database.